The following is an entry in ClinVar:

ClinVar aggregate classification (germline): Uncertain significance. Review status: criteria provided, multiple submitters, no conflicts (2 of 4 stars). 3 submissions from 3 submitters: Uncertain significance (3). Last evaluated 2025-08-14.

Conditions:
Inborn genetic diseases. Identifiers: MedGen C0950123, MeSH D030342.

Allele frequency attached by ClinVar (database versions not stated): ExAC 0.00001; gnomAD exomes 0.00001; TOPMed 0.00004; gnomAD 0.00005.
gnomAD v4.1: 74 of 1,612,852 alleles (0.0046%); highest among the groups gnomAD compares: Non-Finnish European, 0.006%; no homozygotes.

Submissions (3):

Ambry Genetics
Classification: Uncertain significance for Inborn genetic diseases. Last evaluated: 2025-08-14. Review status: criteria provided, single submitter. Criteria: Ambry Variant Classification Scheme 2023. Collection method: clinical testing. Allele origin: germline.

Blueprint Genetics
Classification: Uncertain significance. Last evaluated: 2022-07-11. Review status: criteria provided, single submitter. Criteria: ACMG Guidelines, 2015. Collection method: clinical testing. Allele origin: germline.

Labcorp Genetics (formerly Invitae), Labcorp
Classification: Uncertain significance. Last evaluated: 2019-11-28. Review status: criteria provided, single submitter. Criteria: Invitae Variant Classification Sherloc (09022015). Collection method: clinical testing. Allele origin: germline.
Comment: In summary, the available evidence is currently insufficient to determine the role of this variant in disease. Therefore, it has been classified as a Variant of Uncertain Significance. Algorithms developed to predict the effect of sequence changes on RNA splicing suggest that this variant may create or strengthen a splice site, but this prediction has not been confirmed by published transcriptional studies. Algorithms developed to predict the effect of missense changes on protein structure and function are either unavailable or do not agree on the potential impact of this missense change (SIFT: "Tolerated"; PolyPhen-2: "Probably Damaging"; Align-GVGD: "Class C0"). This variant has not been reported in the literature in individuals with TTLL5-related conditions. This variant is present in population databases (rs757381290, ExAC 0.001%). This sequence change replaces arginine with glutamine at codon 130 of the TTLL5 protein (p.Arg130Gln). The arginine residue is highly conserved and there is a small physicochemical difference between arginine and glutamine.

NM_015072.5(TTLL5):c.389G>A (p.Arg130Gln)

Gene: TTLL5 (tubulin tyrosine ligase like 5; plus strand). Cytogenetic location: 14q24.3.
Variant type: single nucleotide variant.
Coding change: c.389G>A on transcript NM_015072.5 (MANE Select); coding-DNA position 389, G replaced by A.
Protein change: p.Arg130Gln; replaces arginine 130 with glutamine.
Molecular consequence: missense variant.
Genome position (GRCh38, 1-based): chr14:75,690,209, G>A. VCF-style: chr14-75690209-G-A. GRCh37 (hg19) VCF-style: chr14-76156552-G-A.
Other names: short protein forms R130Q.
Identifiers: ClinVar variation 844367 (VCV000844367.9), dbSNP rs757381290, ClinGen allele CA7278915.